The following is an entry in ClinVar:

ClinVar aggregate classification (germline): Uncertain significance (1 of 4 stars; one submission).

Conditions:
Congenital dyserythropoietic anemia, type II (CDAN2). Also called: DYSERYTHROPOIETIC ANEMIA, HEMPAS TYPE. Identifiers: Orphanet 98873, MedGen C1306589, MONDO:0009134, OMIM 224100.
Cowden syndrome 7 (CWS7). Identifiers: Orphanet 201, MedGen C4225179, MONDO:0014802, OMIM 616858.

gnomAD v4.1: 2 of 1,546,464 alleles (0.00013%); highest among the groups gnomAD compares: East Asian, 0.0045%; no homozygotes.

Submission:

Juno Genomics, Hangzhou Juno Genomics, Inc
Classification: Uncertain significance for Cowden syndrome 7; Congenital dyserythropoietic anemia, type II. Review status: criteria provided, single submitter. Criteria: ACMG Guidelines, 2015. Collection method: clinical testing. Allele origin: germline.
Comment: Null variant in a gene where loss of function (LOF) is a known mechanism of disease.;Absent from controls (or at extremely low frequency if recessive) in Genome Aggregation Database.

NM_006363.6(SEC23B):c.1666-1G>T

Gene: SEC23B (SEC23 homolog B, COPII component; plus strand). Cytogenetic location: 20p11.23.
Variant type: single nucleotide variant.
Coding change: c.1666-1G>T on transcript NM_006363.6 (MANE Select); the canonical splice acceptor site of the intron before coding-DNA position 1666, G replaced by T.
Molecular consequence: splice acceptor variant.
Genome position (GRCh38, 1-based): chr20:18,545,955, G>T. VCF-style: chr20-18545955-G-T. GRCh37 (hg19) VCF-style: chr20-18526599-G-T.
Other names: c.1666-1G>T (NM_032986.5, NM_001172745.3, NM_032985.6); c.1612-1G>T (NM_001172746.3).
Identifiers: ClinVar variation 5006359 (VCV005006359.2).
Genomic context (GRCh38, chr20:18,545,955, plus strand): 5'-TTAGATTTTTCTCTCTCTTTTTGTGTGTGTTTGTTTGTTTTTTGGTATTTTCTTTCCATA[G>T]TGTCAAAAGTTTGGACAGTATAACAAAGAAGACCCCACTTCTTTTAGGTTATCAGATTCC-3'